The following is an entry in ClinVar:

ClinVar aggregate classification (germline): Likely benign. Review status: criteria provided, multiple submitters, no conflicts (2 of 4 stars). 3 submissions from 3 submitters: Likely benign (2). 1 of the submissions does not count toward it. Last evaluated 2026-01-11.

Conditions:
NDUFS7-related disorder. Also called: NDUFS7-related condition.

Allele frequency attached by ClinVar (database versions not stated): TOPMed 0.00019; gnomAD 0.00021; ExAC 0.00022; ESP Exome Variant Server 0.00008; gnomAD exomes 0.00022.
gnomAD v4.1: 338 of 1,609,078 alleles (0.021%); highest among the groups gnomAD compares: Non-Finnish European, 0.028%; no homozygotes.

Submissions (3):

Labcorp Genetics (formerly Invitae), Labcorp
Classification: Likely benign. Last evaluated: 2026-01-11. Review status: criteria provided, single submitter. Criteria: Invitae Variant Classification Sherloc (09022015). Collection method: clinical testing. Allele origin: germline.

Women's Health and Genetics/Laboratory Corporation of America, LabCorp
Classification: Likely benign. Last evaluated: 2025-01-12. Review status: criteria provided, single submitter. Criteria: LabCorp Variant Classification Summary - May 2015. Collection method: clinical testing. Allele origin: germline.

PreventionGenetics, part of Exact Sciences
Classification: Likely benign for NDUFS7-related condition. Last evaluated: 2019-06-11. Review status: no assertion criteria provided. Collection method: clinical testing. Allele origin: germline. Not counted in ClinVar's aggregate classification.
Comment: This variant is classified as likely benign based on ACMG/AMP sequence variant interpretation guidelines (Richards et al. 2015 PMID: 25741868, with internal and published modifications).

NM_024407.5(NDUFS7):c.168C>T (p.Pro56=)

Gene: NDUFS7 (NADH:ubiquinone oxidoreductase core subunit S7; plus strand). Cytogenetic location: 19p13.3.
Variant type: single nucleotide variant.
Coding change: c.168C>T on transcript NM_024407.5 (MANE Select); coding-DNA position 168, C replaced by T.
Protein change: p.Pro56=; no amino-acid change (proline 56 retained).
Molecular consequence: synonymous variant.
Genome position (GRCh38, 1-based): chr19:1,388,878, C>T. VCF-style: chr19-1388878-C-T. GRCh37 (hg19) VCF-style: chr19-1388877-C-T.
Other names: c.168C>T, p.Pro56= (NM_001363602.2); c.168C>T (NM_024407.4).
Identifiers: ClinVar variation 2703040 (VCV002703040.7), dbSNP rs370831422, ClinGen allele CA9043137.